The following is an entry in ClinVar:

ClinVar aggregate classification (germline): Uncertain significance. Review status: criteria provided, multiple submitters, no conflicts (2 of 4 stars). 2 submissions from 2 submitters: Uncertain significance (2). Last evaluated 2025-05-27.

Conditions:
Hereditary cancer-predisposing syndrome. Also called: Neoplastic Syndromes, Hereditary; Tumor predisposition; Hereditary Cancer Syndrome; Hereditary neoplastic syndrome. Identifiers: Orphanet 140162, MedGen C0027672, MeSH D009386, MONDO:0015356.
Cardiovascular phenotype. Identifiers: MedGen CN230736.

gnomAD v4.1: 6 of 1,612,596 alleles (0.00037%); highest among the groups gnomAD compares: Non-Finnish European, 0.00051%; no homozygotes.

Submissions (2):

Labcorp Genetics (formerly Invitae), Labcorp
Classification: Uncertain significance. Last evaluated: 2025-05-27. Review status: criteria provided, single submitter. Criteria: Invitae Variant Classification Sherloc (09022015). Collection method: clinical testing. Allele origin: germline.
Comment: This sequence change replaces arginine, which is basic and polar, with proline, which is neutral and non-polar, at codon 638 of the LZTR1 protein (p.Arg638Pro). This variant is not present in population databases (gnomAD no frequency). This variant has not been reported in the literature in individuals affected with LZTR1-related conditions. ClinVar contains an entry for this variant (Variation ID: 1782536). Invitae Evidence Modeling of protein sequence and biophysical properties (such as structural, functional, and spatial information, amino acid conservation, physicochemical variation, residue mobility, and thermodynamic stability) indicates that this missense variant is not expected to disrupt LZTR1 protein function with a negative predictive value of 80%. In summary, the available evidence is currently insufficient to determine the role of this variant in disease. Therefore, it has been classified as a Variant of Uncertain Significance.

Ambry Genetics
Classification: Uncertain significance for Cardiovascular phenotype; Hereditary cancer-predisposing syndrome. Last evaluated: 2022-10-03. Review status: criteria provided, single submitter. Criteria: Ambry Variant Classification Scheme 2023. Collection method: clinical testing. Allele origin: germline.
Comment: The p.R638P variant (also known as c.1913G>C), located in coding exon 16 of the LZTR1 gene, results from a G to C substitution at nucleotide position 1913. The arginine at codon 638 is replaced by proline, an amino acid with dissimilar properties. This amino acid position is conserved. In addition, the in silico prediction for this alteration is inconclusive. Since supporting evidence is limited at this time, the clinical significance of this alteration remains unclear.

NM_006767.4(LZTR1):c.1913G>C (p.Arg638Pro)

Gene: LZTR1 (leucine zipper like post translational regulator 1; plus strand). Cytogenetic location: 22q11.21.
Variant type: single nucleotide variant.
Coding change: c.1913G>C on transcript NM_006767.4 (MANE Select); coding-DNA position 1913, G replaced by C.
Protein change: p.Arg638Pro; replaces arginine 638 with proline.
Molecular consequence: missense variant.
Genome position (GRCh38, 1-based): chr22:20,994,997, G>C. VCF-style: chr22-20994997-G-C. GRCh37 (hg19) VCF-style: chr22-21349286-G-C.
Other names: short protein forms R638P.
Identifiers: ClinVar variation 1782536 (VCV001782536.7), dbSNP rs1924778440, ClinGen allele CA410778715.